The following is an entry in ClinVar:

ClinVar aggregate classification (germline): Likely benign (1 of 4 stars; one submission).

Conditions:
Neuronal ceroid lipofuscinosis 10 (CLN10). Also called: NEURONAL CEROID LIPOFUSCINOSIS DUE TO CATHEPSIN D DEFICIENCY; CTSD-Related Neuronal Ceroid-Lipofuscinosis. Identifiers: Orphanet 228337, MedGen C1864669, MONDO:0012414, OMIM 610127.

Allele frequency attached by ClinVar (database versions not stated): gnomAD 0.00001 and 0.00023; TOPMed 0.00004; gnomAD exomes 0.00036; 1000 Genomes Project 30x 0.00187; 1000 Genomes Project 0.00200.
gnomAD v4.1: 517 of 1,462,432 alleles (0.035%); highest among the groups gnomAD compares: South Asian, 0.6%; 4 homozygotes.

Submission:

Illumina Laboratory Services, Illumina
Classification: Likely benign for Neuronal ceroid lipofuscinosis 10. Last evaluated: 2018-01-12. Review status: criteria provided, single submitter. Criteria: ICSL Variant Classification Criteria 13 December 2019. Collection method: clinical testing. Allele origin: germline.
Comment: This variant was observed in the ICSL laboratory as part of a predisposition screen in an ostensibly healthy population. It had not been previously curated by ICSL or reported in the Human Gene Mutation Database (HGMD: prior to June 1st, 2018), and was therefore a candidate for classification through an automated scoring system. Utilizing variant allele frequency, disease prevalence and penetrance estimates, and inheritance mode, an automated score was calculated to assess if this variant is too frequent to cause the disease. Based on the score and internal cut-off values, a variant classified as likely benign is not then subjected to further curation. The score for this variant resulted in a classification of likely benign for this disease.

NM_001909.5(CTSD):c.-53C>T

Genes: CTSD (cathepsin D; minus strand), LOC130005119 (ATAC-STARR-seq lymphoblastoid silent region 3058; plus strand). Cytogenetic location: 11p15.5.
Variant type: single nucleotide variant.
Coding change: c.-53C>T on transcript NM_001909.5 (MANE Select); 53 bases upstream of the start codon, C replaced by T.
Molecular consequence: 5 prime UTR variant.
Genome position (GRCh38, 1-based): chr11:1,763,912, G>A on the plus strand (C>T on the coding strand, the complement: CTSD is on the minus strand). VCF-style: chr11-1763912-G-A. GRCh37 (hg19) VCF-style: chr11-1785142-G-A.
Identifiers: ClinVar variation 303845 (VCV000303845.6), dbSNP rs530324803, ClinGen allele CA10638013.